The following is an entry in ClinVar:

NM_001367624.2(ZNF469):c.11443A>C (p.Thr3815Pro)

Gene: ZNF469 (zinc finger protein 469; plus strand). Cytogenetic location: 16q24.2.
Variant type: single nucleotide variant.
Coding change: c.11443A>C on transcript NM_001367624.2 (MANE Select); coding-DNA position 11443, A replaced by C.
Protein change: p.Thr3815Pro; replaces threonine 3815 with proline.
Molecular consequence: missense variant.
Genome position (GRCh38, 1-based): chr16:88,438,913, A>C. VCF-style: chr16-88438913-A-C. GRCh37 (hg19) VCF-style: chr16-88505321-A-C.
Other names: NM_001127464.1:c.11359A>C; short protein forms T3815P.
Identifiers: ClinVar variation 3821128 (VCV003821128.1).
Genomic context (GRCh38, chr16:88,438,913, plus strand): 5'-GAAGCTGGTGAGCAGGGGCCCCACGGGAGCCTAGGTCCCAAGGAGAAGGGAGAGAGCAGT[A>C]CGAAGAGGAAAAAGGGCCAGGTCCCAGGGCCAGCCAGGAGTGAAAGTGTGGGGAGCTTCG-3'
Protein context (NP_001354553.1, residues 3805-3825): LGPKEKGESS[Thr3815Pro]KRKKGQVPGP

ClinVar aggregate classification (germline): Uncertain significance (1 of 4 stars; one submission).

Conditions:
Cardiovascular phenotype. Identifiers: MedGen CN230736.

Submission:

Ambry Genetics
Classification: Uncertain significance for Cardiovascular phenotype. Last evaluated: 2025-01-28. Review status: criteria provided, single submitter. Criteria: Ambry Variant Classification Scheme 2023. Collection method: clinical testing. Allele origin: germline.
Comment: The p.T3787P variant (also known as c.11359A>C), located in coding exon 2 of the ZNF469 gene, results from an A to C substitution at nucleotide position 11359. The threonine at codon 3787 is replaced by proline, an amino acid with highly similar properties. This amino acid position is conserved. In addition, this alteration is predicted to be tolerated by in silico analysis. Based on the available evidence, the clinical significance of this variant remains unclear.